The following is an entry in ClinVar:

ClinVar aggregate classification (germline): Uncertain significance (1 of 4 stars; one submission).

Allele frequency attached by ClinVar (database versions not stated): gnomAD exomes 0.00001; TOPMed 0.00001; gnomAD 0.00005.
gnomAD v4.1: 27 of 1,613,250 alleles (0.0017%); highest among the groups gnomAD compares: African/African-American, 0.008%; no homozygotes.

Submission:

Labcorp Genetics (formerly Invitae), Labcorp
Classification: Uncertain significance. Last evaluated: 2025-03-06. Review status: criteria provided, single submitter. Criteria: Invitae Variant Classification Sherloc (09022015). Collection method: clinical testing. Allele origin: germline.
Comment: This sequence change replaces arginine, which is basic and polar, with cysteine, which is neutral and slightly polar, at codon 3236 of the DCHS1 protein (p.Arg3236Cys). This variant is present in population databases (rs772450059, gnomAD 0.009%). This variant has not been reported in the literature in individuals affected with DCHS1-related conditions. ClinVar contains an entry for this variant (Variation ID: 1924919). An algorithm developed to predict the effect of missense changes on protein structure and function (PolyPhen-2) suggests that this variant is likely to be disruptive. In summary, the available evidence is currently insufficient to determine the role of this variant in disease. Therefore, it has been classified as a Variant of Uncertain Significance.

NM_003737.4(DCHS1):c.9706C>T (p.Arg3236Cys)

Gene: DCHS1 (dachsous cadherin-related 1; minus strand). Cytogenetic location: 11p15.4.
Variant type: single nucleotide variant.
Coding change: c.9706C>T on transcript NM_003737.4 (MANE Select); coding-DNA position 9706, C replaced by T.
Protein change: p.Arg3236Cys; replaces arginine 3236 with cysteine.
Molecular consequence: missense variant.
Genome position (GRCh38, 1-based): chr11:6,621,970, G>A on the plus strand (C>T on the coding strand, the complement: DCHS1 is on the minus strand). VCF-style: chr11-6621970-G-A. GRCh37 (hg19) VCF-style: chr11-6643201-G-A.
Other names: short protein forms R3236C.
Identifiers: ClinVar variation 1924919 (VCV001924919.5), dbSNP rs772450059, ClinGen allele CA5859196.
Genomic context (GRCh38, chr11:6,621,970, plus strand): 5'-GTGAGAAGCTGGGGGACATGGCAGCTGAGGACAGGGAGCCTTCATGGCTGATGGGGGAGC[G>A]GTGAGAAGCTGGTGGGAAGATGGCCCGGGCTGCAGCTGTGTTTGCTGGCTTGGGGGGCAC-3'
Protein context (NP_003728.1, residues 3226-3246): ARAIFPPASH[Arg3236Cys]SPISHEGSLS